The following is an entry in ClinVar:

NM_032387.5(WNK4):c.73C>T (p.Pro25Ser)

Gene: WNK4 (WNK lysine deficient protein kinase 4; plus strand). Cytogenetic location: 17q21.2.
Variant type: single nucleotide variant.
Coding change: c.73C>T on transcript NM_032387.5 (MANE Select); coding-DNA position 73, C replaced by T.
Protein change: p.Pro25Ser; replaces proline 25 with serine.
Molecular consequence: missense variant. On other transcripts: 5 prime UTR variant (1).
Genome position (GRCh38, 1-based): chr17:42,780,771, C>T. VCF-style: chr17-42780771-C-T. GRCh37 (hg19) VCF-style: chr17-40932789-C-T.
Other names: c.-847C>T (NM_001321299.2); short protein forms P25S.
Identifiers: ClinVar variation 3581967 (VCV003581967.2).

ClinVar aggregate classification (germline): Uncertain significance. Review status: criteria provided, multiple submitters, no conflicts (2 of 4 stars). 2 submissions from 2 submitters: Uncertain significance (2). Last evaluated 2025-09-16.

Conditions:
Pseudohypoaldosteronism type 2B (PHA2B). Also called: Pseudohypoaldosteronism Type IIB. Identifiers: Orphanet 757, Orphanet 88939, MedGen C1840390, MONDO:0013777, OMIM 614491.

gnomAD v4.1: 7 of 1,607,216 alleles (0.00044%); highest among the groups gnomAD compares: Middle Eastern, 0.017%; no homozygotes.

Submissions (2):

Labcorp Genetics (formerly Invitae), Labcorp
Classification: Uncertain significance. Last evaluated: 2025-09-16. Review status: criteria provided, single submitter. Criteria: Invitae Variant Classification Sherloc (09022015). Collection method: clinical testing. Allele origin: germline.
Comment: This sequence change replaces proline, which is neutral and non-polar, with serine, which is neutral and polar, at codon 25 of the WNK4 protein (p.Pro25Ser). This variant is not present in population databases (gnomAD no frequency). This variant has not been reported in the literature in individuals affected with WNK4-related conditions. ClinVar contains an entry for this variant (Variation ID: 3581967). Invitae Evidence Modeling of protein sequence and biophysical properties (such as structural, functional, and spatial information, amino acid conservation, physicochemical variation, residue mobility, and thermodynamic stability) indicates that this missense variant is not expected to disrupt WNK4 protein function with a negative predictive value of 95%. In summary, the available evidence is currently insufficient to determine the role of this variant in disease. Therefore, it has been classified as a Variant of Uncertain Significance.

Fulgent Genetics
Classification: Uncertain significance for Pseudohypoaldosteronism type 2B. Last evaluated: 2024-03-31. Review status: criteria provided, single submitter. Criteria: ACMG Guidelines, 2015. Collection method: clinical testing. Allele origin: germline.